The following is an entry in ClinVar:

ClinVar aggregate classification (germline): Likely benign. Review status: criteria provided, multiple submitters, no conflicts (2 of 4 stars). 2 submissions from 2 submitters: Likely benign (2). Last evaluated 2024-07-02.

Allele frequency attached by ClinVar (database versions not stated): gnomAD exomes 0.00001; TOPMed 0.00002; gnomAD 0.00003; ExAC 0.00004; ESP Exome Variant Server 0.00008.

Submissions (2):

Labcorp Genetics (formerly Invitae), Labcorp
Classification: Likely benign. Last evaluated: 2024-07-02. Review status: criteria provided, single submitter. Criteria: Invitae Variant Classification Sherloc (09022015). Collection method: clinical testing. Allele origin: germline.

CeGaT Center for Human Genetics Tuebingen
Classification: Likely benign. Last evaluated: 2023-04-01. Review status: criteria provided, single submitter. Criteria: CeGaT Center For Human Genetics Tuebingen Variant Classification Criteria Version 2. Collection method: clinical testing. Allele origin: germline. Affected: yes. Observed: 1 variant allele.
Comment: TRPC6: BP4, BP7

NM_004621.6(TRPC6):c.2211C>T (p.Asp737=)

Gene: TRPC6 (transient receptor potential cation channel subfamily C member 6; minus strand). Cytogenetic location: 11q22.1.
Variant type: single nucleotide variant.
Coding change: c.2211C>T on transcript NM_004621.6 (MANE Select); coding-DNA position 2211, C replaced by T.
Protein change: p.Asp737=; no amino-acid change (aspartic acid 737 retained).
Molecular consequence: synonymous variant.
Genome position (GRCh38, 1-based): chr11:101,471,381, G>A on the plus strand (C>T on the coding strand, the complement: TRPC6 is on the minus strand). VCF-style: chr11-101471381-G-A. GRCh37 (hg19) VCF-style: chr11-101342112-G-A.
Identifiers: ClinVar variation 2642313 (VCV002642313.27), dbSNP rs200737801, ClinGen allele CA6244175.